The following is an entry in ClinVar:

ClinVar aggregate classification (germline): Likely pathogenic (1 of 4 stars; one submission).

Conditions:
Familial dysfibrinogenemia. Also called: Dysfibrinogenemia, congenital. Identifiers: Orphanet 335, Orphanet 98881, MedGen C0272350, MONDO:0014452, OMIM 616004.

Submission:

Juno Genomics, Hangzhou Juno Genomics, Inc
Classification: Likely pathogenic for Familial dysfibrinogenemia. Review status: criteria provided, single submitter. Criteria: ACMG Guidelines, 2015. Collection method: clinical testing. Allele origin: germline. Affected: yes.
Comment: Null variant in a gene where loss of function (LOF) is a known mechanism of disease.;Absent from controls (or at extremely low frequency if recessive) in Genome Aggregation Database, Exome Sequencing Project, 1000 Genomes Project, or Exome Aggregation Consortium.;The prevalence of the variant in affected individuals is significantly increased compared to the prevalence in controls.

NM_021871.4(FGA):c.1517del (p.Leu506fs)

Gene: FGA (fibrinogen alpha chain; minus strand). Cytogenetic location: 4q31.3.
Variant type: Deletion.
Coding change: c.1517del on transcript NM_021871.4 (MANE Select); coding-DNA position 1517, one base deleted (T; older notation c.1517delT).
Protein change: p.Leu506fs; shifts the reading frame from leucine 506.
Molecular consequence: frameshift variant.
Genome position (GRCh38, 1-based): chr4:154,585,912, A deleted on the plus strand (T on the coding strand, the reverse complement: FGA is on the minus strand). VCF-style (leftmost placement, unchanged base first): chr4-154585911-CA-C. GRCh37 (hg19) VCF-style: chr4-155507063-CA-C.
Other names: c.1517del, p.Leu506fs (NM_000508.5); short protein forms L506fs.
Identifiers: ClinVar variation 3383098 (VCV003383098.2).